The following is an entry in ClinVar:

ClinVar aggregate classification (germline): Uncertain significance (1 of 4 stars; one submission).

Conditions:
Hypertrophic cardiomyopathy. Also called: HYPERTROPHIC MYOCARDIOPATHY. Identifiers: Orphanet 217569, MedGen C0007194, MeSH D002312, MONDO:0005045, HP:0001639.

Submission:

Labcorp Genetics (formerly Invitae), Labcorp
Classification: Uncertain significance for Hypertrophic cardiomyopathy. Last evaluated: 2021-10-27. Review status: criteria provided, single submitter. Criteria: Invitae Variant Classification Sherloc (09022015). Collection method: clinical testing. Allele origin: germline.
Comment: This variant has not been reported in the literature in individuals affected with MYH7-related conditions. This variant is not present in population databases (gnomAD no frequency). This sequence change replaces cysteine, which is neutral and slightly polar, with serine, which is neutral and polar, at codon 695 of the MYH7 protein (p.Cys695Ser). Algorithms developed to predict the effect of missense changes on protein structure and function (SIFT, PolyPhen-2, Align-GVGD) all suggest that this variant is likely to be disruptive. In summary, the available evidence is currently insufficient to determine the role of this variant in disease. Therefore, it has been classified as a Variant of Uncertain Significance. This variant is found within a region of MYH7 between codons 181 and 937 that contains the majority of the myosin head domain. Missense variants in this region have been shown to be significantly overrepresented in individuals with hypertrophic cardiomyopathy (PMID: 27532257).

Literature cited by the submitters: PubMed 27532257.

NM_000257.4(MYH7):c.2084G>C (p.Cys695Ser)

Gene: MYH7 (myosin heavy chain 7; minus strand). Cytogenetic location: 14q11.2.
Variant type: single nucleotide variant.
Coding change: c.2084G>C on transcript NM_000257.4 (MANE Select); coding-DNA position 2084, G replaced by C.
Protein change: p.Cys695Ser; replaces cysteine 695 with serine.
Molecular consequence: missense variant.
Genome position (GRCh38, 1-based): chr14:23,426,042, C>G on the plus strand (G>C on the coding strand, the complement: MYH7 is on the minus strand). VCF-style: chr14-23426042-C-G. GRCh37 (hg19) VCF-style: chr14-23895251-C-G.
Other names: short protein forms C695S.
Identifiers: ClinVar variation 1479523 (VCV001479523.6), dbSNP rs2138668976, ClinGen allele CA389049159.